The following is an entry in ClinVar:

ClinVar aggregate classification (germline): Uncertain significance. Review status: criteria provided, multiple submitters, no conflicts (2 of 4 stars). 3 submissions from 3 submitters: Uncertain significance (3). Last evaluated 2025-07-27.

Conditions:
DCHS1-related disorder. Also called: DCHS1-related condition.
Inborn genetic diseases. Identifiers: MedGen C0950123, MeSH D030342.

Allele frequency attached by ClinVar (database versions not stated): ExAC 0.00001.
gnomAD v4.1: 13 of 1,613,570 alleles (0.00081%); highest among the groups gnomAD compares: Admixed American, 0.0067%; no homozygotes.

Submissions (3):

Labcorp Genetics (formerly Invitae), Labcorp
Classification: Uncertain significance. Last evaluated: 2025-07-27. Review status: criteria provided, single submitter. Criteria: Invitae Variant Classification Sherloc (09022015). Collection method: clinical testing. Allele origin: germline.
Comment: This sequence change replaces asparagine, which is neutral and polar, with lysine, which is basic and polar, at codon 1681 of the DCHS1 protein (p.Asn1681Lys). This variant is present in population databases (rs762274197, gnomAD 0.009%). This variant has not been reported in the literature in individuals affected with DCHS1-related conditions. ClinVar contains an entry for this variant (Variation ID: 1521130). Invitae Evidence Modeling of protein sequence and biophysical properties (such as structural, functional, and spatial information, amino acid conservation, physicochemical variation, residue mobility, and thermodynamic stability) has been performed for this missense variant. However, the output from this modeling did not meet the statistical confidence thresholds required to predict the impact of this variant on DCHS1 protein function. In summary, the available evidence is currently insufficient to determine the role of this variant in disease. Therefore, it has been classified as a Variant of Uncertain Significance.

PreventionGenetics, part of Exact Sciences
Classification: Uncertain significance for DCHS1-related condition. Last evaluated: 2023-08-15. Review status: criteria provided, single submitter. Criteria: ACMG Guidelines, 2015. Collection method: clinical testing. Allele origin: germline.
Comment: The DCHS1 c.5043C>G variant is predicted to result in the amino acid substitution p.Asn1681Lys. To our knowledge, this variant has not been reported in the literature. This variant is reported in 0.0087% of alleles in individuals of Latino descent in gnomAD. At this time, the clinical significance of this variant is uncertain due to the absence of conclusive functional and genetic evidence.

Ambry Genetics
Classification: Uncertain significance for Inborn genetic diseases. Last evaluated: 2023-02-28. Review status: criteria provided, single submitter. Criteria: Ambry Variant Classification Scheme 2023. Collection method: clinical testing. Allele origin: germline.

NM_003737.4(DCHS1):c.5043C>G (p.Asn1681Lys)

Gene: DCHS1 (dachsous cadherin-related 1; minus strand). Cytogenetic location: 11p15.4.
Variant type: single nucleotide variant.
Coding change: c.5043C>G on transcript NM_003737.4 (MANE Select); coding-DNA position 5043, C replaced by G.
Protein change: p.Asn1681Lys; replaces asparagine 1681 with lysine.
Molecular consequence: missense variant.
Genome position (GRCh38, 1-based): chr11:6,629,570, G>C on the plus strand (C>G on the coding strand, the complement: DCHS1 is on the minus strand). VCF-style: chr11-6629570-G-C. GRCh37 (hg19) VCF-style: chr11-6650801-G-C.
Other names: c.5043C>G (NM_003737.2, NM_003737.3); short protein forms N1681K.
Identifiers: ClinVar variation 1521130 (VCV001521130.10), dbSNP rs762274197, ClinGen allele CA5860189.